The following is an entry in ClinVar:

ClinVar aggregate classification (germline): Uncertain significance. Review status: criteria provided, multiple submitters, no conflicts (2 of 4 stars). 2 submissions from 2 submitters: Uncertain significance (2). Last evaluated 2026-06-04.

Conditions:
Inborn genetic diseases. Identifiers: MedGen C0950123, MeSH D030342.

Submissions (2):

Ambry Genetics
Classification: Uncertain significance for Inborn genetic diseases. Last evaluated: 2026-06-04. Review status: criteria provided, single submitter. Criteria: Ambry Variant Classification Scheme 2023. Collection method: clinical testing. Allele origin: germline.

Labcorp Genetics (formerly Invitae), Labcorp
Classification: Uncertain significance. Last evaluated: 2025-01-15. Review status: criteria provided, single submitter. Criteria: Invitae Variant Classification Sherloc (09022015). Collection method: clinical testing. Allele origin: germline.
Comment: This sequence change replaces proline, which is neutral and non-polar, with leucine, which is neutral and non-polar, at codon 1158 of the COL7A1 protein (p.Pro1158Leu). This variant is not present in population databases (gnomAD no frequency). This variant has not been reported in the literature in individuals affected with COL7A1-related conditions. ClinVar contains an entry for this variant (Variation ID: 2177913). Invitae Evidence Modeling of protein sequence and biophysical properties (such as structural, functional, and spatial information, amino acid conservation, physicochemical variation, residue mobility, and thermodynamic stability) indicates that this missense variant is not expected to disrupt COL7A1 protein function with a negative predictive value of 95%. In summary, the available evidence is currently insufficient to determine the role of this variant in disease. Therefore, it has been classified as a Variant of Uncertain Significance.

NM_000094.4(COL7A1):c.3473C>T (p.Pro1158Leu)

Gene: COL7A1 (collagen type VII alpha 1 chain; minus strand). Cytogenetic location: 3p21.31.
Variant type: single nucleotide variant.
Coding change: c.3473C>T on transcript NM_000094.4 (MANE Select); coding-DNA position 3473, C replaced by T.
Protein change: p.Pro1158Leu; replaces proline 1158 with leucine.
Molecular consequence: missense variant.
Genome position (GRCh38, 1-based): chr3:48,586,409, G>A on the plus strand (C>T on the coding strand, the complement: COL7A1 is on the minus strand). VCF-style: chr3-48586409-G-A. GRCh37 (hg19) VCF-style: chr3-48623842-G-A.
Other names: short protein forms P1158L.
Identifiers: ClinVar variation 2177913 (VCV002177913.4), dbSNP rs764914098, ClinGen allele CA352705272.
Genomic context (GRCh38, chr3:48,586,409, plus strand): 5'-CGGATGGGGCTGAATATGTCACCTCTCAAGGGTTCATCCACTAGCAGAACCATCACCCCT[G>A]GTACGTGCTGGCGGCGCCCAGGAGCATCTGGTGCCAACATGTATCTGTGAGCTGTGACCA-3'
Protein context (NP_000085.1, residues 1148-1168): PDAPGRRQHV[Pro1158Leu]GVMVLLVDEP